The following is an entry in ClinVar:

ClinVar aggregate classification (germline): Likely benign (1 of 4 stars; one submission).

Submission:

Laboratory for Molecular Medicine, Mass General Brigham Personalized Medicine
Classification: Likely benign. Last evaluated: 2015-08-17. Review status: criteria provided, single submitter. Criteria: LMM Criteria. Collection method: clinical testing. Allele origin: germline. Observed: 1 variant allele.
Comment: p.Ile17684Met in exon 253 of TTN: This variant is not expected to have clinical significance due to a lack of conservation across species, including mammals. Of note, >35 mammals, including 2 primates, have a methionine (Met) at this positi on despite high nearby amino acid conservation.

NM_001267550.2(TTN):c.60756A>G (p.Ile20252Met)

Genes: TTN (titin; minus strand), TTN-AS1 (TTN antisense RNA 1; plus strand). Cytogenetic location: 2q31.2.
Variant type: single nucleotide variant.
Coding change: c.60756A>G on transcript NM_001267550.2 (MANE Select); coding-DNA position 60756, A replaced by G.
Protein change: p.Ile20252Met; replaces isoleucine 20252 with methionine.
Molecular consequence: missense variant.
Genome position (GRCh38, 1-based): chr2:178,590,969, T>C on the plus strand (A>G on the coding strand, the complement: TTN is on the minus strand). VCF-style: chr2-178590969-T-C. GRCh37 (hg19) VCF-style: chr2-179455696-T-C.
Other names: c.53052A>G, p.Ile17684Met (NM_133378.4); c.55833A>G, p.Ile18611Met (NM_001256850.1); c.33561A>G, p.Ile11187Met (NM_003319.4); c.33936A>G, p.Ile11312Met (NM_133432.3); c.34137A>G, p.Ile11379Met (NM_133437.4); short protein forms I17684M, I20252M, I18611M, I11312M, I11379M, I11187M.
Identifiers: ClinVar variation 228117 (VCV000228117.5), dbSNP rs876657611, ClinGen allele CA10576503.
Genomic context (GRCh38, chr2:178,590,969, plus strand): 5'-CGGAGGACTAAATTTATGCTTAGCAACAGTAGGTGTGGAGTCAAGGGGAGGACCAACACC[T>C]ATCTTATTCTCTGCTCTAACTCGGAAAACATATTCACAGCCCTTCTGCAGATGTGGGATT-3'
Protein context (NP_001254479.2, residues 20242-20262): YVFRVRAENK[Ile20252Met]GVGPPLDSTP